The following is an entry in ClinVar:

ClinVar aggregate classification (germline): Uncertain significance (1 of 4 stars; one submission).

Conditions:
Hereditary cancer-predisposing syndrome. Also called: Hereditary neoplastic syndrome; Neoplastic Syndromes, Hereditary; Tumor predisposition; Hereditary Cancer Syndrome. Identifiers: Orphanet 140162, MedGen C0027672, MeSH D009386, MONDO:0015356.

Submission:

Ambry Genetics
Classification: Uncertain significance for Hereditary cancer-predisposing syndrome. Last evaluated: 2025-06-27. Review status: criteria provided, single submitter. Criteria: Ambry Variant Classification Scheme 2023. Collection method: clinical testing. Allele origin: germline.
Comment: The c.1227-3C>A intronic variant results from a C to A substitution 3 nucleotides upstream from coding exon 13 in the POLE gene. This nucleotide position is well conserved in available vertebrate species. In silico splice site analysis predicts that this alteration will not have any significant effect on splicing. Based on the available evidence, the clinical significance of this variant remains unclear.

NM_006231.4(POLE):c.1227-3C>A

Gene: POLE (DNA polymerase epsilon, catalytic subunit; minus strand). Cytogenetic location: 12q24.33.
Variant type: single nucleotide variant.
Coding change: c.1227-3C>A on transcript NM_006231.4 (MANE Select); 3 bases into the intron before coding-DNA position 1227, C replaced by A.
Molecular consequence: intron variant.
Genome position (GRCh38, 1-based): chr12:132,673,710, G>T on the plus strand (C>A on the coding strand, the complement: POLE is on the minus strand). VCF-style: chr12-132673710-G-T. GRCh37 (hg19) VCF-style: chr12-133250296-G-T.
Identifiers: ClinVar variation 4141113 (VCV004141113.1).
Genomic context (GRCh38, chr12:132,673,710, plus strand): 5'-GGCGGCCGCCTTGAGATTATGACTGCCCACAGGAAGGTAACTGTCCCTCTTCACCCACCT[G>T]GAAGGAGAATGAGAACAGAAGCCAGGATGATTCTAACATGCAGCCCGGGAACCCCTGAGA-3'